The following is an entry in ClinVar:

NM_018389.5(SLC35C1):c.*414G>A

Gene: SLC35C1 (solute carrier family 35 member C1; plus strand). Cytogenetic location: 11p11.2.
Variant type: single nucleotide variant.
Coding change: c.*414G>A on transcript NM_018389.5 (MANE Select); 414 bases downstream of the stop codon, G replaced by A.
Molecular consequence: 3 prime UTR variant.
Genome position (GRCh38, 1-based): chr11:45,811,749, G>A. VCF-style: chr11-45811749-G-A. GRCh37 (hg19) VCF-style: chr11-45833300-G-A.
Other names: c.*414G>A (NM_001145265.2, NM_001145266.2).
Identifiers: ClinVar variation 304748 (VCV000304748.6), dbSNP rs1139267, ClinGen allele CA10639172.

ClinVar aggregate classification (germline): Benign. Review status: criteria provided, multiple submitters, no conflicts (2 of 4 stars). 2 submissions from 2 submitters: Benign (2). Last evaluated 2018-01-13.

Conditions:
Leukocyte adhesion deficiency type II. Also called: CONGENITAL DISORDER OF GLYCOSYLATION, TYPE IIc; CDG IIc; Congenital disorder of glycosylation type 2C; CDG 2C; Leukocyte adhesion deficiency type 2; Rambam Hasharon syndrome. Identifiers: Orphanet 2968, Orphanet 99843, MedGen C0398739, MONDO:0009953, OMIM 266265.

Allele frequency attached by ClinVar (database versions not stated): 1000 Genomes Project 30x 0.03123; 1000 Genomes Project 0.03175; gnomAD exomes 0.04398; TOPMed 0.04741; gnomAD 0.05318 and 0.05406.
gnomAD v4.1: 8,526 of 163,266 alleles (5.2%); highest among the groups gnomAD compares: Non-Finnish European, 7.3%; 326 homozygotes.

Submissions (2):

Illumina Laboratory Services, Illumina
Classification: Benign for Leukocyte adhesion deficiency type II. Last evaluated: 2018-01-13. Review status: criteria provided, single submitter. Criteria: ICSL Variant Classification Criteria 13 December 2019. Collection method: clinical testing. Allele origin: germline.
Comment: This variant was observed in the ICSL laboratory as part of a predisposition screen in an ostensibly healthy population. It had not been previously curated by ICSL or reported in the Human Gene Mutation Database (HGMD: prior to June 1st, 2018), and was therefore a candidate for classification through an automated scoring system. Utilizing variant allele frequency, disease prevalence and penetrance estimates, and inheritance mode, an automated score was calculated to assess if this variant is too frequent to cause the disease. Based on the score and internal cut-off values, a variant classified as benign is not then subjected to further curation. The score for this variant resulted in a classification of benign for this disease.

Breakthrough Genomics
Classification: Benign. Review status: criteria provided, single submitter. Criteria: ACMG Guidelines, 2015. Collection method: not provided. Allele origin: germline. Inheritance: Autosomal recessive inheritance. Affected: yes.